The following is an entry in ClinVar:

ClinVar aggregate classification (germline): Likely benign. Review status: criteria provided, multiple submitters, no conflicts (2 of 4 stars). 10 submissions from 10 submitters: Likely benign (7). 3 of the submissions do not count toward it. Last evaluated 2026-05-28.

Conditions:
Hereditary cancer-predisposing syndrome. Also called: Neoplastic Syndromes, Hereditary; Hereditary neoplastic syndrome; Hereditary Cancer Syndrome; Tumor predisposition. Identifiers: Orphanet 140162, MedGen C0027672, MeSH D009386, MONDO:0015356.
Hereditary breast ovarian cancer syndrome. Also called: Hereditary breast and/or ovarian cancer syndrome; Hereditary breast and ovarian cancer syndrome (HBOC); Breast and ovarian cancer; Hereditary breast and ovarian cancer syndrome; Hereditary breast and ovarian cancer; BRCA1- and BRCA2-Associated Hereditary Breast and Ovarian Cancer. Identifiers: Orphanet 145, MedGen C0677776, MeSH D061325, MONDO:0003582. Disease mechanism: loss of function.
Breast-ovarian cancer, familial, susceptibility to, 2 (BROVCA2). Also called: BRCA2 Hereditary Breast and Ovarian Cancer. Identifiers: Orphanet 145, MedGen C2675520, MONDO:0012933, OMIM 612555. Disease mechanism: loss of function.

Allele frequency attached by ClinVar (database versions not stated): gnomAD exomes 0.00001; ESP Exome Variant Server 0.00008; ExAC 0.00001.

Submissions (10):

Women's Health and Genetics/Laboratory Corporation of America, LabCorp
Classification: Likely benign. Last evaluated: 2026-05-28. Review status: criteria provided, single submitter. Criteria: LabCorp Variant Classification Summary - May 2015. Collection method: clinical testing. Allele origin: germline.
Comment: Variant summary: BRCA2 c.4718G>A (p.Cys1573Tyr) results in a non-conservative amino acid change in the encoded protein sequence. Algorithms developed to predict the effect of missense changes on protein structure and function are either unavailable or do not agree on the potential impact of this missense change. The variant allele was found at a frequency of 8e-06 in 251100 control chromosomes. The available data on variant occurrences in the general population are insufficient to allow any conclusion about variant significance. c.4718G>A has been observed in individuals affected with Hereditary Breast And Ovarian Cancer Syndrome (Spitzer_2000, Tutt_2010, He_2016, Gaia-Oltean_2021). Co-occurrences with other pathogenic variants have been reported (BRCA1 c.1687C>T, p.Q563X, Tutt_2010; BRCA2 c.4456_4459delGTTA, p.Val1486AsnfsX5, internal database), providing supporting evidence for a benign role. To our knowledge, no experimental evidence demonstrating an impact on protein function has been reported. The following publications have been ascertained in the context of this evaluation (PMID: 10699917, 20609467, 27930734, 33948387). ClinVar contains an entry for this variant (Variation ID: 51702). Based on the evidence outlined above, the variant was classified as likely benign.

Labcorp Genetics (formerly Invitae), Labcorp
Classification: Likely benign for Hereditary breast ovarian cancer syndrome. Last evaluated: 2025-12-23. Review status: criteria provided, single submitter. Criteria: Invitae Variant Classification Sherloc (09022015). Collection method: clinical testing. Allele origin: germline.

Quest Diagnostics Nichols Institute San Juan Capistrano
Classification: Likely benign. Last evaluated: 2025-07-03. Review status: criteria provided, single submitter. Criteria: Quest Diagnostics criteria. Collection method: clinical testing. Allele origin: unknown.

University of Washington Department of Laboratory Medicine, University of Washington
Classification: Likely benign for Hereditary cancer-predisposing syndrome. Last evaluated: 2023-03-23. Review status: criteria provided, single submitter. Criteria: Dines et al. (Genet Med. 2020). Collection method: curation. Allele origin: germline.
Comment: Missense variant in a coldspot region where missense variants are very unlikely to be pathogenic (PMID:31911673).

BRCA2 exon 11 coldspot. Reclassification based on statistical prior probability.

GeneDx
Classification: Likely benign. Last evaluated: 2021-03-09. Review status: criteria provided, single submitter. Criteria: GeneDx Variant Classification Process June 2021. Collection method: clinical testing. Allele origin: germline. Affected: yes.
Comment: This variant is associated with the following publications: (PMID: 20609467, 10699917)

Ambry Genetics
Classification: Likely benign for Hereditary cancer-predisposing syndrome. Last evaluated: 2018-11-14. Review status: criteria provided, single submitter. Criteria: Ambry Variant Classification Scheme 2023. Collection method: clinical testing. Allele origin: germline.

Color Diagnostics, LLC DBA Color Health
Classification: Likely benign for Hereditary cancer-predisposing syndrome. Last evaluated: 2015-03-11. Review status: criteria provided, single submitter. Criteria: ACMG Guidelines, 2015. Collection method: clinical testing. Allele origin: germline.

Counsyl
Classification: Uncertain significance for Breast-ovarian cancer, familial, susceptibility to, 2. Last evaluated: 2018-04-27. Review status: no assertion criteria provided. Collection method: clinical testing. Allele origin: unknown. Not counted in ClinVar's aggregate classification.

Sharing Clinical Reports Project (SCRP)
Classification: Benign for Breast-ovarian cancer, familial 2. Last evaluated: 2012-03-12. Review status: no assertion criteria provided. Collection method: clinical testing. Allele origin: germline. Not counted in ClinVar's aggregate classification.

Breast Cancer Information Core (BIC) (BRCA2)
Classification: Uncertain significance for Breast-ovarian cancer, familial 2. Review status: no assertion criteria provided. Collection method: clinical testing. Allele origin: germline. Affected: yes. Observed: 8 variant alleles. Not counted in ClinVar's aggregate classification.

Literature cited by the submitters: PubMed 10699917 (cited by 4 submitters); PubMed 20609467 (cited by 4 submitters); PubMed 27930734 (cited by 3 submitters); PubMed 33948387 (cited by Women's Health and Genetics/Laboratory Corporation of America, LabCorp); PubMed 24817641 (cited by Quest Diagnostics Nichols Institute San Juan Capistrano and Counsyl); PubMed 31911673 (cited by Quest Diagnostics Nichols Institute San Juan Capistrano).

NM_000059.4(BRCA2):c.4718G>A (p.Cys1573Tyr)

Gene: BRCA2 (BRCA2 DNA repair associated; plus strand). Cytogenetic location: 13q13.1.
Variant type: single nucleotide variant.
Coding change: c.4718G>A on transcript NM_000059.4 (MANE Select); coding-DNA position 4718, G replaced by A.
Protein change: p.Cys1573Tyr; replaces cysteine 1573 with tyrosine.
Molecular consequence: missense variant.
Genome position (GRCh38, 1-based): chr13:32,339,073, G>A. VCF-style: chr13-32339073-G-A. GRCh37 (hg19) VCF-style: chr13-32913210-G-A.
Other names: 4946G>A; short protein forms C1573Y.
Identifiers: ClinVar variation 51702 (VCV000051702.29), dbSNP rs56249050, ClinGen allele CA020706.